The following is an entry in ClinVar:

NM_001492.6(GDF1):c.353C>T (p.Ala118Val)

Genes: CERS1 (ceramide synthase 1; minus strand), GDF1 (growth differentiation factor 1; minus strand). Cytogenetic location: 19p13.11.
Variant type: single nucleotide variant.
Coding change: c.353C>T on transcript NM_001492.6 (MANE Select); coding-DNA position 353, C replaced by T.
Protein change: p.Ala118Val; replaces alanine 118 with valine.
Molecular consequence: missense variant. On other transcripts: 3 prime UTR variant (2).
Genome position (GRCh38, 1-based): chr19:18,869,363, G>A on the plus strand (C>T on the coding strand, the complement: GDF1 is on the minus strand). VCF-style: chr19-18869363-G-A. GRCh37 (hg19) VCF-style: chr19-18980172-G-A.
Other names: c.*1214C>T (NM_001387440.1); c.*622C>T (NM_021267.5); c.353C>T, p.Ala118Val (NM_001387438.1); short protein forms A118V.
Identifiers: ClinVar variation 258160 (VCV000258160.29), dbSNP rs4808863, ClinGen allele CA9317947.

ClinVar aggregate classification (germline): Benign/Likely benign. Review status: criteria provided, multiple submitters, no conflicts (2 of 4 stars). 12 submissions from 12 submitters: Benign (8); Likely benign (1). 3 of the submissions do not count toward it. Last evaluated 2026-02-03.

Allele frequency attached by ClinVar (database versions not stated): 1000 Genomes Project 0.23383; 1000 Genomes Project 30x 0.23735; gnomAD 0.30267 and 0.30318; TOPMed 0.31014; ExAC 0.36304; gnomAD exomes 0.37221 and 0.37959.
gnomAD v4.1: 568,564 of 1,530,440 alleles (37%); highest among the groups gnomAD compares: Admixed American, 51%; 111,915 homozygotes.

Submissions (12):

Labcorp Genetics (formerly Invitae), Labcorp
Classification: Benign. Last evaluated: 2026-02-03. Review status: criteria provided, single submitter. Criteria: Invitae Variant Classification Sherloc (09022015). Collection method: clinical testing. Allele origin: germline.

Blueprint Genetics
Classification: Benign. Last evaluated: 2024-11-28. Review status: criteria provided, single submitter. Criteria: ACMG Guidelines, 2015. Collection method: clinical testing. Allele origin: germline.

Women's Health and Genetics/Laboratory Corporation of America, LabCorp
Classification: Likely benign. Last evaluated: 2023-07-29. Review status: criteria provided, single submitter. Criteria: LabCorp Variant Classification Summary - May 2015. Collection method: clinical testing. Allele origin: germline.

Mayo Clinic Laboratories, Mayo Clinic
Classification: Benign. Last evaluated: 2022-03-20. Review status: criteria provided, single submitter. Criteria: ACMG Guidelines, 2015. Collection method: clinical testing. Allele origin: germline. Observed: 15 variant alleles.
Comment: BA1

Laboratory for Molecular Medicine, Mass General Brigham Personalized Medicine
Classification: Benign. Last evaluated: 2016-03-28. Review status: criteria provided, single submitter. Criteria: LMM Criteria. Collection method: clinical testing. Allele origin: germline.
Comment: Variant identified in a genome or exome case(s) and assessed due to predicted null impact of the variant or pathogenic assertions in the literature or databases. Disclaimer: This variant has not undergone full assessment. The following are preliminary notes: Frequency

Eurofins Ntd Llc (ga)
Classification: Benign. Last evaluated: 2016-03-22. Review status: criteria provided, single submitter. Criteria: EGL Classification Definitions 2015. Collection method: clinical testing. Allele origin: germline. Observed: 16 variant alleles, 15 heterozygotes, 1 homozygote.

GeneDx
Classification: Benign. Last evaluated: 2015-03-03. Review status: criteria provided, single submitter. Criteria: GeneDx Variant Classification Process June 2021. Collection method: clinical testing. Allele origin: germline. Affected: yes.
Comment: This variant is associated with the following publications: (PMID: 26656983)

Breakthrough Genomics
Classification: Benign. Review status: criteria provided, single submitter. Criteria: ACMG Guidelines, 2015. Collection method: not provided. Allele origin: germline. Inheritance: Autosomal recessive inheritance. Affected: yes.

PreventionGenetics, part of Exact Sciences
Classification: Benign. Review status: criteria provided, single submitter. Criteria: ACMG Guidelines, 2015. Collection method: clinical testing. Allele origin: germline.

Clinical Genetics DNA and cytogenetics Diagnostics Lab, Erasmus MC, Erasmus Medical Center
Classification: Benign. Review status: no assertion criteria provided. Collection method: clinical testing. Allele origin: germline. Affected: yes. Study: VKGL Data-share Consensus. Not counted in ClinVar's aggregate classification.

Genome Diagnostics Laboratory, University Medical Center Utrecht
Classification: Benign. Review status: no assertion criteria provided. Collection method: clinical testing. Allele origin: germline. Affected: yes. Study: VKGL Data-share Consensus. Not counted in ClinVar's aggregate classification.

Joint Genome Diagnostic Labs from Nijmegen and Maastricht, Radboudumc and MUMC+
Classification: Benign. Review status: no assertion criteria provided. Collection method: clinical testing. Allele origin: germline. Affected: yes. Study: VKGL Data-share Consensus. Not counted in ClinVar's aggregate classification.